The following is an entry in ClinVar:

ClinVar aggregate classification (germline): Uncertain significance (1 of 4 stars; one submission).

Conditions:
Hereditary nonpolyposis colorectal neoplasms. Identifiers: MedGen C0009405, MeSH D003123.

Submission:

Labcorp Genetics (formerly Invitae), Labcorp
Classification: Uncertain significance for Hereditary nonpolyposis colorectal neoplasms. Last evaluated: 2024-10-12. Review status: criteria provided, single submitter. Criteria: Invitae Variant Classification Sherloc (09022015). Collection method: clinical testing. Allele origin: germline.
Comment: This sequence change replaces lysine, which is basic and polar, with asparagine, which is neutral and polar, at codon 1296 of the MSH6 protein (p.Lys1296Asn). This variant is not present in population databases (gnomAD no frequency). This variant has not been reported in the literature in individuals affected with MSH6-related conditions. Invitae Evidence Modeling of protein sequence and biophysical properties (such as structural, functional, and spatial information, amino acid conservation, physicochemical variation, residue mobility, and thermodynamic stability) has been performed for this missense variant. However, the output from this modeling did not meet the statistical confidence thresholds required to predict the impact of this variant on MSH6 protein function. In summary, the available evidence is currently insufficient to determine the role of this variant in disease. Therefore, it has been classified as a Variant of Uncertain Significance.

NM_000179.3(MSH6):c.3888A>C (p.Lys1296Asn)

Gene: MSH6 (mutS homolog 6; plus strand). Cytogenetic location: 2p16.3.
Variant type: single nucleotide variant.
Coding change: c.3888A>C on transcript NM_000179.3 (MANE Select); coding-DNA position 3888, A replaced by C.
Protein change: p.Lys1296Asn; replaces lysine 1296 with asparagine.
Molecular consequence: missense variant. On other transcripts: non-coding transcript variant (5), intron variant (1).
Genome position (GRCh38, 1-based): chr2:47,806,538, A>C. VCF-style: chr2-47806538-A-C. GRCh37 (hg19) VCF-style: chr2-48033677-A-C.
Other names: c.3498A>C, p.Lys1166Asn (NM_001281492.2); c.2982A>C, p.Lys994Asn (NM_001281493.2, NM_001281494.2, NM_001406811.1 and 6 more transcripts); c.3984A>C, p.Lys1328Asn (NM_001406795.1); c.3888A>C, p.Lys1296Asn (NM_001406796.1, NM_001406808.1, NM_001406809.1); c.3591A>C, p.Lys1197Asn (NM_001406797.1, NM_001406801.1, NM_001406805.1 and 10 more transcripts); c.3714A>C, p.Lys1238Asn (NM_001406798.1); c.3363A>C, p.Lys1121Asn (NM_001406799.1, NM_001406806.1, NM_001406807.1); c.3875A>C, p.Lys1292Thr (NM_001406800.1); and 9 more; short protein forms K1008N, K1270N, K245N, K774N, K1121N, K1240N, K1197N, K1298N.
Identifiers: ClinVar variation 3633976 (VCV003633976.2).
Genomic context (GRCh38, chr2:47,806,538, plus strand): 5'-AGACCCCAGCCAGGAGACTATTACGTTCCTCTATAAATTCATTAAGGGAGCTTGTCCTAA[A>C]AGCTATGGCTTTAATGCAGCAAGGCTTGCTAATCTCCCAGAGGAAGTTATTCAAAAGGGA-3'
Protein context (NP_000170.1, residues 1286-1306): LYKFIKGACP[Lys1296Asn]SYGFNAARLA